The following is an entry in ClinVar:

NM_001365276.2(TNXB):c.9910C>T (p.Gln3304Ter)

Gene: TNXB (tenascin XB; minus strand). Cytogenetic location: 6p21.33.
Variant type: single nucleotide variant.
Coding change: c.9910C>T on transcript NM_001365276.2 (MANE Select); coding-DNA position 9910, C replaced by T.
Protein change: p.Gln3304Ter; replaces glutamine 3304 with a stop codon.
Molecular consequence: nonsense.
Genome position (GRCh38, 1-based): chr6:32,048,498, G>A on the plus strand (C>T on the coding strand, the complement: TNXB is on the minus strand). VCF-style: chr6-32048498-G-A. GRCh37 (hg19) VCF-style: chr6-32016275-G-A.
Other names: c.10651C>T, p.Gln3551Ter (NM_001428335.1); c.9904C>T, p.Gln3302Ter (NM_019105.8); short protein forms Q3302*, Q3304*, Q3551*.
Identifiers: ClinVar variation 5013766 (VCV005013766.1).

ClinVar aggregate classification (germline): Pathogenic (1 of 4 stars; one submission).

Conditions:
Ehlers-Danlos syndrome due to tenascin-X deficiency (EDSCLL1). Also called: Ehlers-Danlos syndrome, classic-like, 1; EHLERS-DANLOS SYNDROME, CLASSIC-LIKE; TNXB-Related Classical-Like Ehlers-Danlos Syndrome; EDS DUE TO TNX DEFICIENCY; TNX DEFICIENCY. Identifiers: Orphanet 230839, MedGen C1848029, MONDO:0011670, OMIM 606408.

Submission:

Myriad Genetics, Inc.
Classification: Pathogenic for Ehlers-Danlos syndrome due to tenascin-X deficiency. Last evaluated: 2024-11-18. Review status: criteria provided, single submitter. Criteria: Myriad Autosomal Dominant, Autosomal Recessive and X-Linked Classification Criteria (2023). Collection method: clinical testing. Allele origin: unknown.
Comment: NM_019105.6(TNXB):c.9904C>T(Q3302*) is expected to be pathogenic in the context of classical-like Ehlers-Danlos syndrome, TNXB-related. This variant is predicted to lead to an abnormal or absent protein product due to the creation of a premature termination codon in TNXB, a gene where loss-of-function variants are known to be pathogenic. Please note: this variant was assessed in the context of healthy population screening.